The following is an entry in ClinVar:

ClinVar aggregate classification (germline): Conflicting classifications of pathogenicity. Review status: criteria provided, conflicting classifications (1 of 4 stars). 2 submissions from 2 submitters: Uncertain significance (1); Likely benign (1). Last evaluated 2024-07-16.

Conditions:
Renal cell carcinoma. Identifiers: Orphanet 217071, MedGen C0007134, MeSH D002292, MONDO:0005086, HP:0005584.
Hereditary cancer-predisposing syndrome. Also called: Tumor predisposition; Hereditary Cancer Syndrome; Hereditary neoplastic syndrome; Neoplastic Syndromes, Hereditary. Identifiers: Orphanet 140162, MedGen C0027672, MeSH D009386, MONDO:0015356.

Allele frequency attached by ClinVar (database versions not stated): gnomAD exomes below 0.00001.
gnomAD v4.1: 2 of 1,614,102 alleles (0.00012%); no homozygotes.

Submissions (2):

Ambry Genetics
Classification: Likely benign for Hereditary cancer-predisposing syndrome. Last evaluated: 2024-07-16. Review status: criteria provided, single submitter. Criteria: Ambry Variant Classification Scheme 2023. Collection method: clinical testing. Allele origin: germline.

Labcorp Genetics (formerly Invitae), Labcorp
Classification: Uncertain significance for Renal cell carcinoma. Last evaluated: 2022-05-13. Review status: criteria provided, single submitter. Criteria: Invitae Variant Classification Sherloc (09022015). Collection method: clinical testing. Allele origin: germline.
Comment: In summary, the available evidence is currently insufficient to determine the role of this variant in disease. Therefore, it has been classified as a Variant of Uncertain Significance. Algorithms developed to predict the effect of missense changes on protein structure and function (SIFT, PolyPhen-2, Align-GVGD) all suggest that this variant is likely to be tolerated. This variant has not been reported in the literature in individuals affected with MET-related conditions. This variant is present in population databases (no rsID available, gnomAD 0.01%). This sequence change replaces lysine, which is basic and polar, with arginine, which is basic and polar, at codon 508 of the MET protein (p.Lys508Arg).

NM_000245.4(MET):c.1523A>G (p.Lys508Arg)

Gene: MET (MET proto-oncogene, receptor tyrosine kinase; plus strand). Cytogenetic location: 7q31.2.
Variant type: single nucleotide variant.
Coding change: c.1523A>G on transcript NM_000245.4 (MANE Select); coding-DNA position 1523, A replaced by G.
Protein change: p.Lys508Arg; replaces lysine 508 with arginine.
Molecular consequence: missense variant.
Genome position (GRCh38, 1-based): chr7:116,740,080, A>G. VCF-style: chr7-116740080-A-G. GRCh37 (hg19) VCF-style: chr7-116380134-A-G.
Other names: c.1523A>G, p.Lys508Arg (NM_001127500.3, NM_001324401.3); c.233A>G, p.Lys78Arg (NM_001324402.2); short protein forms K78R, K508R.
Identifiers: ClinVar variation 1994035 (VCV001994035.5), dbSNP rs1301750241, ClinGen allele CA368974349.